The following is an entry in ClinVar:

ClinVar aggregate classification (germline): Uncertain significance (1 of 4 stars; one submission).

Submission:

Illumina Laboratory Services, Illumina
Classification: Uncertain significance. Last evaluated: 2020-11-06. Review status: criteria provided, single submitter. Criteria: ICSL CNVClassificationCriteria Aug2020. Collection method: clinical testing. Allele origin: unknown.
Comment: This CNV is a 1.15 Mb deletion of 17p13.3 on chromosome 17, (seq[GRCh37]del(17)(p13.3), chr17:g.722145_1875784), of unknown inheritance. This CNV constitutes a loss of 21 protein coding and overlaps the well-described 17p13.3 microdeletion syndrome, which includes Miller-Dieker syndrome (MDS) and isolated lissencephaly sequence (ILS). The 17p13.3 microdeletion syndrome is generally inherited in an autosomal dominant pattern, although most deletions are reported de novo. Common features of the 17p13.3 microdeletion syndrome include lissencephaly, developmental delay, intellectual disability, and seizures. Additional features in patients with MDS include craniofacial dysmorphic features and severe neurologic abnormalities. This chromosomal region is highly susceptible to rearrangements due to the presence of multiple LCRs. MDS is caused by deletions involving the PAFAH1B1 and YWHAE genes, while ILS is caused by deletion of the PAFAH1B1 gene (Dobyns et al. 2014; Blazejewski et al. 2018). Bruno et al. (2009) identified a critical region of 258 kb including both the CRK and YWHAE genes as being responsible for distinctive facial dysmorphisms associated with deletions in this region. This CNV does not result in the loss of PAFAH1B1 gene but does result in loss of both the CRK and YWHAE genes. Similar losses have not been reported in controls (Cooper et al. 2011; MacDonald et al. 2014). Based on the evidence, this CNV is classified as a variant of uncertain significance.

Literature cited by the submitters: PubMed 20301752; PubMed 24174537; PubMed 29628935; PubMed 20452996; PubMed 21841781.

GRCh37/hg19 17p13.3(chr17:722145-1875784)x1

Genes: ABR (ABR activator of RhoGEF and GTPase; minus strand), BHLHA9 (basic helix-loop-helix family member a9; plus strand), CRK (CRK proto-oncogene, adaptor protein; minus strand), INPP5K (inositol polyphosphate-5-phosphatase K; minus strand), MIR22 (microRNA 22; minus strand) and 17 more. Cytogenetic location: 17p13.3.
Variant type: copy number loss.
Change: copy number 1 (one copy instead of two) of chr17:722,145-1,875,784 (1.15 Mb, GRCh37 coordinates, 1-based), cytogenetic band 17p13.3.
Identifiers: ClinVar variation 988932 (VCV000988932.4).